The following is an entry in ClinVar:

ClinVar aggregate classification (germline): Uncertain significance (1 of 4 stars; one submission).

Allele frequency attached by ClinVar (database versions not stated): gnomAD exomes below 0.00001; gnomAD 0.00001; TOPMed 0.00002.
gnomAD v4.1: 5 of 1,613,312 alleles (0.00031%); highest among the groups gnomAD compares: South Asian, 0.0011%; no homozygotes.

Submission:

Labcorp Genetics (formerly Invitae), Labcorp
Classification: Uncertain significance. Last evaluated: 2023-11-18. Review status: criteria provided, single submitter. Criteria: Invitae Variant Classification Sherloc (09022015). Collection method: clinical testing. Allele origin: germline.
Comment: This sequence change affects codon 598 of the CLTC mRNA. It is a 'silent' change, meaning that it does not change the encoded amino acid sequence of the CLTC protein. It affects a nucleotide within the consensus splice site. This variant is present in population databases (no rsID available, gnomAD 0.0009%). This variant has not been reported in the literature in individuals affected with CLTC-related conditions. ClinVar contains an entry for this variant (Variation ID: 1411478). Algorithms developed to predict the effect of sequence changes on RNA splicing suggest that this variant is not likely to affect RNA splicing. In summary, the available evidence is currently insufficient to determine the role of this variant in disease. Therefore, it has been classified as a Variant of Uncertain Significance.

NM_004859.4(CLTC):c.1782A>G (p.Gln594=)

Gene: CLTC (clathrin heavy chain; plus strand). Cytogenetic location: 17q23.1.
Variant type: single nucleotide variant.
Coding change: c.1782A>G on transcript NM_004859.4 (MANE Select); coding-DNA position 1782, A replaced by G.
Protein change: p.Gln594=; no amino-acid change (glutamine 594 retained).
Molecular consequence: synonymous variant.
Genome position (GRCh38, 1-based): chr17:59,666,240, A>G. VCF-style: chr17-59666240-A-G. GRCh37 (hg19) VCF-style: chr17-57743601-A-G.
Other names: c.1794A>G, p.Gln598= (NM_001288653.2).
Identifiers: ClinVar variation 1411478 (VCV001411478.6), dbSNP rs889992786, ClinGen allele CA292149050.